The following is an entry in ClinVar:

NM_024301.5(FKRP):c.534G>T (p.Trp178Cys)

Gene: FKRP (fukutin related protein; plus strand). Cytogenetic location: 19q13.32.
Variant type: single nucleotide variant.
Coding change: c.534G>T on transcript NM_024301.5 (MANE Select); coding-DNA position 534, G replaced by T.
Protein change: p.Trp178Cys; replaces tryptophan 178 with cysteine.
Molecular consequence: missense variant.
Genome position (GRCh38, 1-based): chr19:46,755,984, G>T. VCF-style: chr19-46755984-G-T. GRCh37 (hg19) VCF-style: chr19-47259241-G-T.
Other names: c.534G>T, p.Trp178Cys (NM_001039885.3); short protein forms W178C.
Identifiers: ClinVar variation 3571670 (VCV003571670.2).

ClinVar aggregate classification (germline): Likely pathogenic (1 of 4 stars; one submission).

Submission:

Athena Diagnostics
Classification: Likely pathogenic. Last evaluated: 2025-09-04. Review status: criteria provided, single submitter. Criteria: Athena Diagnostics Criteria. Collection method: clinical testing. Allele origin: unknown.
Comment: This variant has not been reported in large, multi-ethnic general populations. This variant has been identified in at least one individual with clinical features associated with this gene. Polyphen and MutationTaster predict this amino acid change may be damaging to the protein.

Literature cited by the submitters: PubMed 30003095; PubMed 32423971; PubMed 32342672; PubMed 31747956; PubMed 32523032; PubMed 35740450; PubMed 33200426.